The following is an entry in ClinVar:

ClinVar aggregate classification (germline): Uncertain significance. Review status: criteria provided, multiple submitters, no conflicts (2 of 4 stars). 4 submissions from 4 submitters: Uncertain significance (4). Last evaluated 2025-12-29.

Conditions:
Hereditary cancer-predisposing syndrome. Also called: Neoplastic Syndromes, Hereditary; Tumor predisposition; Hereditary Cancer Syndrome; Hereditary neoplastic syndrome. Identifiers: Orphanet 140162, MedGen C0027672, MeSH D009386, MONDO:0015356.
Familial cancer of breast. Also called: BREAST CANCER, FAMILIAL; hereditary breast carcinoma; Hereditary breast cancer. Identifiers: Orphanet 227535, MedGen C0346153, MONDO:0016419, OMIM 114480. Disease mechanism: loss of function.

Allele frequency attached by ClinVar (database versions not stated): gnomAD exomes 0.00002; ExAC 0.00003.
gnomAD v4.1: 11 of 1,613,540 alleles (0.00068%); highest among the groups gnomAD compares: Non-Finnish European, 0.00042%; no homozygotes.

Submissions (4):

Center for Genomic Medicine, Rigshospitalet, Copenhagen University Hospital
Classification: Uncertain significance. Last evaluated: 2025-12-29. Review status: criteria provided, single submitter. Criteria: ACMG Guidelines, 2015. Collection method: clinical testing. Allele origin: germline.

Labcorp Genetics (formerly Invitae), Labcorp
Classification: Uncertain significance for Familial cancer of breast. Last evaluated: 2025-01-22. Review status: criteria provided, single submitter. Criteria: Invitae Variant Classification Sherloc (09022015). Collection method: clinical testing. Allele origin: germline.
Comment: This sequence change replaces leucine, which is neutral and non-polar, with proline, which is neutral and non-polar, at codon 855 of the PALB2 protein (p.Leu855Pro). This variant is present in population databases (rs774497779, gnomAD 0.004%). This variant has not been reported in the literature in individuals affected with PALB2-related conditions. ClinVar contains an entry for this variant (Variation ID: 641098). Invitae Evidence Modeling of protein sequence and biophysical properties (such as structural, functional, and spatial information, amino acid conservation, physicochemical variation, residue mobility, and thermodynamic stability) indicates that this missense variant is expected to disrupt PALB2 protein function with a positive predictive value of 80%. In summary, the available evidence is currently insufficient to determine the role of this variant in disease. Therefore, it has been classified as a Variant of Uncertain Significance.

Ambry Genetics
Classification: Uncertain significance for Hereditary cancer-predisposing syndrome. Last evaluated: 2023-08-29. Review status: criteria provided, single submitter. Criteria: Ambry Variant Classification Scheme 2023. Collection method: clinical testing. Allele origin: germline.
Comment: The p.L855P variant (also known as c.2564T>C), located in coding exon 6 of the PALB2 gene, results from a T to C substitution at nucleotide position 2564. The leucine at codon 855 is replaced by proline, an amino acid with similar properties. This variant was reported in 3/60,466 breast cancer cases and in 5/53,461 controls (Dorling et al. N Engl J Med. 2021 02;384:428-439). This amino acid position is highly conserved in available vertebrate species. In addition, this alteration is predicted to be deleterious by in silico analysis. Since supporting evidence is limited at this time, the clinical significance of this alteration remains unclear.

Clinical Genetics Laboratory, Skane University Hospital Lund
Classification: Uncertain significance. Last evaluated: 2022-12-02. Review status: criteria provided, single submitter. Criteria: ACMG Guidelines, 2015. Collection method: clinical testing. Allele origin: germline. Affected: yes.

Literature cited by the submitters: PubMed 33471991 (cited by Ambry Genetics).

NM_024675.4(PALB2):c.2564T>C (p.Leu855Pro)

Gene: PALB2 (partner and localizer of BRCA2; minus strand). Cytogenetic location: 16p12.2.
Variant type: single nucleotide variant.
Coding change: c.2564T>C on transcript NM_024675.4 (MANE Select); coding-DNA position 2564, T replaced by C.
Protein change: p.Leu855Pro; replaces leucine 855 with proline.
Molecular consequence: missense variant.
Genome position (GRCh38, 1-based): chr16:23,629,226, A>G on the plus strand (T>C on the coding strand, the complement: PALB2 is on the minus strand). VCF-style: chr16-23629226-A-G. GRCh37 (hg19) VCF-style: chr16-23640547-A-G.
Other names: short protein forms L855P.
Identifiers: ClinVar variation 641098 (VCV000641098.16), dbSNP rs774497779, ClinGen allele CA7963541.
Genomic context (GRCh38, chr16:23,629,226, plus strand): 5'-GTAAGACACGAGACACTGGAAGAGAATATTCTTCTGACCTTTAACTCTGAAACCAATTGT[A>G]GGTTGCCTGGGTTTATGCTATCAGAAGCAGGAAGCTCTGCTGTTTCAGTCTGTGAAAACA-3'
Protein context (NP_078951.2, residues 845-865): PASDSINPGN[Leu855Pro]QLVSELKNPS